The following is an entry in ClinVar:

ClinVar aggregate classification (germline): Uncertain significance. Review status: criteria provided, multiple submitters, no conflicts (2 of 4 stars). 3 submissions from 3 submitters: Uncertain significance (3). Last evaluated 2024-05-31.

Conditions:
Hypercalcemia, infantile, 1 (HCINF1). Identifiers: Orphanet 300547, MedGen CN031131, MONDO:0020739, OMIM 143880.

Allele frequency attached by ClinVar (database versions not stated): gnomAD 0.00005; TOPMed 0.00007; ExAC 0.00008; ESP Exome Variant Server 0.00015.
gnomAD v4.1: 335 of 1,607,628 alleles (0.021%); highest among the groups gnomAD compares: Non-Finnish European, 0.027%; no homozygotes.

Submissions (3):

Fulgent Genetics
Classification: Uncertain significance for Hypercalcemia, infantile, 1. Last evaluated: 2024-05-31. Review status: criteria provided, single submitter. Criteria: ACMG Guidelines, 2015. Collection method: clinical testing. Allele origin: germline.

CeGaT Center for Human Genetics Tuebingen
Classification: Uncertain significance. Last evaluated: 2022-09-01. Review status: criteria provided, single submitter. Criteria: CeGaT Center For Human Genetics Tuebingen Variant Classification Criteria Version 2. Collection method: clinical testing. Allele origin: germline. Affected: yes. Observed: 1 variant allele.
Comment: CYP24A1: PP3

Blueprint Genetics
Classification: Uncertain significance. Last evaluated: 2022-04-22. Review status: criteria provided, single submitter. Criteria: ACMG Guidelines, 2015. Collection method: clinical testing. Allele origin: germline.

NM_000782.5(CYP24A1):c.305G>C (p.Gly102Ala)

Gene: CYP24A1 (cytochrome P450 family 24 subfamily A member 1; minus strand). Cytogenetic location: 20q13.2.
Variant type: single nucleotide variant.
Coding change: c.305G>C on transcript NM_000782.5 (MANE Select); coding-DNA position 305, G replaced by C.
Protein change: p.Gly102Ala; replaces glycine 102 with alanine.
Molecular consequence: missense variant.
Genome position (GRCh38, 1-based): chr20:54,173,053, C>G on the plus strand (G>C on the coding strand, the complement: CYP24A1 is on the minus strand). VCF-style: chr20-54173053-C-G. GRCh37 (hg19) VCF-style: chr20-52789592-C-G.
Other names: c.305G>C, p.Gly102Ala (NM_001128915.2, NM_001424340.1, NM_001424341.1 and 2 more transcripts); short protein forms G102A.
Identifiers: ClinVar variation 2652423 (VCV002652423.26), dbSNP rs368218305, ClinGen allele CA9916214.